The following is an entry in ClinVar:

ClinVar aggregate classification (germline): Uncertain significance (1 of 4 stars; one submission).

Conditions:
Primary ciliary dyskinesia. Also called: Ciliary dyskinesia. Identifiers: Orphanet 244, MedGen C0008780, MONDO:0016575, HP:0012265.

Submission:

Labcorp Genetics (formerly Invitae), Labcorp
Classification: Uncertain significance for Primary ciliary dyskinesia. Last evaluated: 2024-08-17. Review status: criteria provided, single submitter. Criteria: Invitae Variant Classification Sherloc (09022015). Collection method: clinical testing. Allele origin: germline.
Comment: This sequence change replaces valine, which is neutral and non-polar, with leucine, which is neutral and non-polar, at codon 1059 of the DNAH11 protein (p.Val1059Leu). This variant is not present in population databases (gnomAD no frequency). This variant has not been reported in the literature in individuals affected with DNAH11-related conditions. Invitae Evidence Modeling of protein sequence and biophysical properties (such as structural, functional, and spatial information, amino acid conservation, physicochemical variation, residue mobility, and thermodynamic stability) indicates that this missense variant is not expected to disrupt DNAH11 protein function with a negative predictive value of 95%. In summary, the available evidence is currently insufficient to determine the role of this variant in disease. Therefore, it has been classified as a Variant of Uncertain Significance.

NM_001277115.2(DNAH11):c.3175G>C (p.Val1059Leu)

Genes: DNAH11 (dynein axonemal heavy chain 11; plus strand), LOC126859961 (BRD4-independent group 4 enhancer GRCh37_chr7:21639662-21640861; plus strand). Cytogenetic location: 7p15.3.
Variant type: single nucleotide variant.
Coding change: c.3175G>C on transcript NM_001277115.2 (MANE Select); coding-DNA position 3175, G replaced by C.
Protein change: p.Val1059Leu; replaces valine 1059 with leucine.
Molecular consequence: missense variant.
Genome position (GRCh38, 1-based): chr7:21,600,850, G>C. VCF-style: chr7-21600850-G-C. GRCh37 (hg19) VCF-style: chr7-21640468-G-C.
Other names: short protein forms V1059L.
Identifiers: ClinVar variation 3638264 (VCV003638264.1).